The following is an entry in ClinVar:

ClinVar aggregate classification (germline): Uncertain significance. Review status: criteria provided, multiple submitters, no conflicts (2 of 4 stars). 2 submissions from 2 submitters: Uncertain significance (2). Last evaluated 2023-11-05.

Conditions:
Hereditary cancer-predisposing syndrome. Also called: Hereditary Cancer Syndrome; Tumor predisposition; Neoplastic Syndromes, Hereditary; Hereditary neoplastic syndrome. Identifiers: Orphanet 140162, MedGen C0027672, MeSH D009386, MONDO:0015356.
Ataxia-telangiectasia syndrome (AT). Also called: ATAXIA-TELANGIECTASIA, COMPLEMENTATION GROUP A; ATAXIA-TELANGIECTASIA, FRESNO VARIANT; Ataxia-telangiectasia; Ataxia-telangiectasia, complementation group E; Cerebello-oculocutaneous telangiectasia; Immunodeficiency with ataxia telangiectasia. Identifiers: Orphanet 100, MedGen C0004135, MONDO:0008840, OMIM 208900.

Submissions (2):

Labcorp Genetics (formerly Invitae), Labcorp
Classification: Uncertain significance for Ataxia-telangiectasia syndrome. Last evaluated: 2023-11-05. Review status: criteria provided, single submitter. Criteria: Invitae Variant Classification Sherloc (09022015). Collection method: clinical testing. Allele origin: germline.
Comment: This sequence change replaces threonine, which is neutral and polar, with isoleucine, which is neutral and non-polar, at codon 2745 of the ATM protein (p.Thr2745Ile). This variant is not present in population databases (gnomAD no frequency). This variant has not been reported in the literature in individuals affected with ATM-related conditions. ClinVar contains an entry for this variant (Variation ID: 186624). An algorithm developed to predict the effect of missense changes on protein structure and function (PolyPhen-2) suggests that this variant is likely to be disruptive. In summary, the available evidence is currently insufficient to determine the role of this variant in disease. Therefore, it has been classified as a Variant of Uncertain Significance.

Ambry Genetics
Classification: Uncertain significance for Hereditary cancer-predisposing syndrome. Last evaluated: 2014-10-07. Review status: criteria provided, single submitter. Criteria: Ambry Variant Classification Scheme 2023. Collection method: clinical testing. Allele origin: germline.
Comment: The p.T2745I variant (also known as c.8234C>T), located in coding exon 55 of the ATM gene, results from a C to T substitution at nucleotide position 8234. The threonine at codon 2745 is replaced by isoleucine, an amino acid with similar properties. This variant was not reported in population based cohorts in the following databases: Database of Single Nucleotide Polymorphisms (dbSNP), NHLBI Exome Sequencing Project (ESP), and 1000 Genomes Project. In the ESP, this variant was not observed in 6499 samples (12998 alleles) with coverage at this position. To date, this alteration has been detected with an allele frequency of approximately 0.004% (greater than 22,000 alleles tested) in our clinical cohort. This amino acid position is highly conserved in available vertebrate species. In addition, this alteration is predicted to be probably damaging and deleterious by PolyPhen and SIFT in silico analyses, respectively. Since supporting evidence is limited at this time, the clinical significance of p.T2745I remains unclear.

NM_000051.4(ATM):c.8234C>T (p.Thr2745Ile)

Genes: ATM (ATM serine/threonine kinase; plus strand), C11orf65 (chromosome 11 open reading frame 65; minus strand). Cytogenetic location: 11q22.3.
Variant type: single nucleotide variant.
Coding change: c.8234C>T on transcript NM_000051.4 (MANE Select); coding-DNA position 8234, C replaced by T.
Protein change: p.Thr2745Ile; replaces threonine 2745 with isoleucine.
Molecular consequence: missense variant. On other transcripts: intron variant (2).
Genome position (GRCh38, 1-based): chr11:108,335,927, C>T. VCF-style: chr11-108335927-C-T. GRCh37 (hg19) VCF-style: chr11-108206654-C-T.
Other names: c.8234C>T, p.Thr2745Ile (NM_001351834.2); c.641-26856G>A (NM_001330368.2); c.695-635G>A (NM_001351110.2); short protein forms T2745I.
Identifiers: ClinVar variation 186624 (VCV000186624.13), dbSNP rs786203094, ClinGen allele CA195363.